The following is an entry in ClinVar:

ClinVar aggregate classification (germline): Uncertain significance. Review status: criteria provided, multiple submitters, no conflicts (2 of 4 stars). 7 submissions from 7 submitters: Uncertain significance (6). 1 of the submissions does not count toward it. Last evaluated 2025-08-12.

Conditions:
Inborn genetic diseases. Identifiers: MedGen C0950123, MeSH D030342.
CYP7B1-related disorder. Also called: CYP7B1-related condition.
Spastic paraplegia. Identifiers: MedGen C0037772, HP:0001258.
Hereditary spastic paraplegia 5A (SPG5A). Also called: SPASTIC PARAPLEGIA 5A, AUTOSOMAL RECESSIVE. Identifiers: Orphanet 100986, MedGen C1849115, MONDO:0010047, OMIM 270800.

Allele frequency attached by ClinVar (database versions not stated): gnomAD exomes 0.00004 and 0.00012; gnomAD 0.00007; ESP Exome Variant Server 0.00008; TOPMed 0.00008; ExAC 0.00013.
gnomAD v4.1: 73 of 1,612,438 alleles (0.0045%); highest among the groups gnomAD compares: Admixed American, 0.037%; no homozygotes.

Submissions (7):

Ambry Genetics
Classification: Uncertain significance for Inborn genetic diseases. Last evaluated: 2025-08-12. Review status: criteria provided, single submitter. Criteria: Ambry Variant Classification Scheme 2023. Collection method: clinical testing. Allele origin: germline.

Labcorp Genetics (formerly Invitae), Labcorp
Classification: Uncertain significance for Spastic paraplegia. Last evaluated: 2022-08-23. Review status: criteria provided, single submitter. Criteria: Invitae Variant Classification Sherloc (09022015). Collection method: clinical testing. Allele origin: germline.
Comment: This sequence change replaces arginine, which is basic and polar, with lysine, which is basic and polar, at codon 42 of the CYP7B1 protein (p.Arg42Lys). The frequency data for this variant in the population databases is considered unreliable, as metrics indicate poor data quality at this position in the gnomAD database. This variant has not been reported in the literature in individuals affected with CYP7B1-related conditions. ClinVar contains an entry for this variant (Variation ID: 288985). Algorithms developed to predict the effect of missense changes on protein structure and function are either unavailable or do not agree on the potential impact of this missense change (SIFT: "Tolerated"; PolyPhen-2: "Probably Damaging"; Align-GVGD: "Class C0"). In summary, the available evidence is currently insufficient to determine the role of this variant in disease. Therefore, it has been classified as a Variant of Uncertain Significance.

Revvity Omics, Revvity
Classification: Uncertain significance. Last evaluated: 2022-06-08. Review status: criteria provided, single submitter. Criteria: ACMG Guidelines, 2015. Collection method: clinical testing. Allele origin: germline.

Mayo Clinic Laboratories, Mayo Clinic
Classification: Uncertain significance. Last evaluated: 2018-07-01. Review status: criteria provided, single submitter. Criteria: ACMG Guidelines, 2015. Collection method: clinical testing. Allele origin: germline.

Illumina Laboratory Services, Illumina
Classification: Uncertain significance for Hereditary spastic paraplegia 5A. Last evaluated: 2018-01-12. Review status: criteria provided, single submitter. Criteria: ICSL Variant Classification Criteria 13 December 2019. Collection method: clinical testing. Allele origin: germline.

Eurofins Ntd Llc (ga)
Classification: Uncertain significance. Last evaluated: 2016-06-23. Review status: criteria provided, single submitter. Criteria: EGL Classification Definitions 2015. Collection method: clinical testing. Allele origin: germline. Observed: 1 variant allele, 1 heterozygote.

PreventionGenetics, part of Exact Sciences
Classification: Uncertain significance for CYP7B1-related condition. Last evaluated: 2024-09-11. Review status: no assertion criteria provided. Collection method: clinical testing. Allele origin: germline. Not counted in ClinVar's aggregate classification.
Comment: The CYP7B1 c.125G>A variant is predicted to result in the amino acid substitution p.Arg42Lys. To our knowledge, this variant has not been reported in the literature. This variant is reported in 0.087% of alleles in individuals of Ashkenazi Jewish descent in gnomAD, which may be too frequent to be a primary cause of disease. Although we suspect that this variant may be benign, at this time, the clinical significance of this variant is uncertain due to the absence of conclusive functional and genetic evidence.

NM_004820.5(CYP7B1):c.125G>A (p.Arg42Lys)

Gene: CYP7B1 (cytochrome P450 family 7 subfamily B member 1; minus strand). Cytogenetic location: 8q12.3.
Variant type: single nucleotide variant.
Coding change: c.125G>A on transcript NM_004820.5 (MANE Select); coding-DNA position 125, G replaced by A.
Protein change: p.Arg42Lys; replaces arginine 42 with lysine.
Molecular consequence: missense variant.
Genome position (GRCh38, 1-based): chr8:64,624,537, C>T on the plus strand (G>A on the coding strand, the complement: CYP7B1 is on the minus strand). VCF-style: chr8-64624537-C-T. GRCh37 (hg19) VCF-style: chr8-65537094-C-T.
Other names: p.R42K; c.125G>A (NM_004820.4); c.125G>A, p.Arg42Lys (NM_001324112.2); short protein forms R42K.
Identifiers: ClinVar variation 288985 (VCV000288985.19), dbSNP rs375384257, ClinGen allele CA4764288.